The following is an entry in ClinVar:

NM_004656.4(BAP1):c.281A>G (p.His94Arg)

Gene: BAP1 (BRCA1 associated deubiquitinase 1; minus strand). Cytogenetic location: 3p21.1.
Variant type: single nucleotide variant.
Coding change: c.281A>G on transcript NM_004656.4 (MANE Select); coding-DNA position 281, A replaced by G.
Protein change: p.His94Arg; replaces histidine 94 with arginine.
Molecular consequence: missense variant.
Genome position (GRCh38, 1-based): chr3:52,408,052, T>C on the plus strand (A>G on the coding strand, the complement: BAP1 is on the minus strand). VCF-style: chr3-52408052-T-C. GRCh37 (hg19) VCF-style: chr3-52442068-T-C.
Other names: c.281A>G (LRG_529t1); short protein forms H94R.
Identifiers: ClinVar variation 480852 (VCV000480852.14), dbSNP rs1553645950, ClinGen allele CA353112553.

ClinVar aggregate classification (germline): Conflicting classifications of pathogenicity. Review status: criteria provided, conflicting classifications (1 of 4 stars). 3 submissions from 3 submitters: Likely pathogenic (1); Uncertain significance (2). Last evaluated 2024-10-17.

Conditions:
BAP1-related tumor predisposition syndrome (TPDS1). Also called: Tumor susceptibility linked to germline BAP1 mutations; COMMON Syndrome; TUMOR PREDISPOSITION SYNDROME 1; BAP1 tumor predisposition syndrome. Identifiers: Orphanet 289539, MedGen C3280492, MONDO:0013692, OMIM 614327.
Hereditary cancer-predisposing syndrome. Also called: Hereditary Cancer Syndrome; Neoplastic Syndromes, Hereditary; Tumor predisposition; Hereditary neoplastic syndrome. Identifiers: Orphanet 140162, MedGen C0027672, MeSH D009386, MONDO:0015356.

Submissions (3):

Ambry Genetics
Classification: Likely pathogenic for Hereditary cancer-predisposing syndrome. Last evaluated: 2024-10-17. Review status: criteria provided, single submitter. Criteria: Ambry Variant Classification Scheme 2023. Collection method: clinical testing. Allele origin: germline.
Comment: The p.H94R variant (also known as c.281A>G), located in coding exon 5 of the BAP1 gene, results from an A to G substitution at nucleotide position 281. The histidine at codon 94 is replaced by arginine, an amino acid with highly similar properties. This variant was identified in multiple individuals with a personal and/or family history of BAP1-associated disease (Ambry internal data; Walpole S et al. J Natl Cancer Inst, 2018 Dec;110:1328-1341; Repo P et al. Hum Mol Genet, 2019 Jul;28:2415-2426; Helgadottir H et al. Acta Oncol, 2023 Jun;62:565-570). This alteration was non-functional in a high throughput genome editing haploid cell survival assay (Waters AJ et al. Nat Genet, 2024 Jul;56:1434-1445). This amino acid position is highly conserved in available vertebrate species. In addition, this alteration is predicted to be deleterious by in silico analysis. Based on the majority of available evidence to date, this variant is likely to be pathogenic.

GeneDx
Classification: Uncertain significance. Last evaluated: 2023-03-15. Review status: criteria provided, single submitter. Criteria: GeneDx Variant Classification Process June 2021. Collection method: clinical testing. Allele origin: germline. Affected: yes.
Comment: Not observed at significant frequency in large population cohorts (gnomAD); Published functional studies demonstrate abolished deubiquitination ability, but retained nuclear localization (Repo et al., 2019); This variant is associated with the following publications: (PMID: 31058963, 30517737)

Labcorp Genetics (formerly Invitae), Labcorp
Classification: Uncertain significance for BAP1-related tumor predisposition syndrome. Last evaluated: 2019-08-08. Review status: criteria provided, single submitter. Criteria: Invitae Variant Classification Sherloc (09022015). Collection method: clinical testing. Allele origin: germline.
Comment: In summary, the available evidence is currently insufficient to determine the role of this variant in disease. Therefore, it has been classified as a Variant of Uncertain Significance. This variant has been reported to affect BAP1 protein function (PMID: 31058963). This variant has been observed in an individual affected with uveal melanoma (PMID: 30517737). ClinVar contains an entry for this variant (Variation ID: 480852). This variant is not present in population databases (ExAC no frequency). This sequence change replaces histidine with arginine at codon 94 of the BAP1 protein (p.His94Arg). The histidine residue is highly conserved and there is a small physicochemical difference between histidine and arginine.

Literature cited by the submitters: PubMed 30517737 (cited by Ambry Genetics and Labcorp Genetics (formerly Invitae), Labcorp); PubMed 31058963 (cited by Ambry Genetics and Labcorp Genetics (formerly Invitae), Labcorp); PubMed 37265265 (cited by Ambry Genetics); PubMed 38969833 (cited by Ambry Genetics).